The following is an entry in ClinVar:

ClinVar aggregate classification (germline): Pathogenic (1 of 4 stars; one submission).

Conditions:
Multiple congenital anomalies-hypotonia-seizures syndrome 1 (MCAHS1). Also called: PIGN-CDG; Congenital disorder of glycosylation due to PIGN deficiency; GLYCOSYLPHOSPHATIDYLINOSITOL BIOSYNTHESIS DEFECT 3. Identifiers: Orphanet 280633, MedGen C3279775, MONDO:0013563, OMIM 614080.

Submission:

Labcorp Genetics (formerly Invitae), Labcorp
Classification: Pathogenic for Multiple congenital anomalies-hypotonia-seizures syndrome 1. Last evaluated: 2025-02-15. Review status: criteria provided, single submitter. Criteria: Invitae Variant Classification Sherloc (09022015). Collection method: clinical testing. Allele origin: germline.
Comment: This sequence change creates a premature translational stop signal (p.Phe207Serfs*5) in the PIGN gene. It is expected to result in an absent or disrupted protein product. Loss-of-function variants in PIGN are known to be pathogenic (PMID: 24253414, 27038415). This variant is present in population databases (no rsID available, gnomAD 0.004%). This variant has not been reported in the literature in individuals affected with PIGN-related conditions. ClinVar contains an entry for this variant (Variation ID: 965177). For these reasons, this variant has been classified as Pathogenic.

Literature cited by the submitters: PubMed 24253414; PubMed 27038415.

NM_176787.5(PIGN):c.620del (p.Phe207fs)

Gene: PIGN (phosphatidylinositol glycan anchor biosynthesis class N; minus strand). Cytogenetic location: 18q21.33.
Variant type: Deletion.
Coding change: c.620del on transcript NM_176787.5 (MANE Select); coding-DNA position 620, one base deleted (T; older notation c.620delT).
Protein change: p.Phe207fs; shifts the reading frame from phenylalanine 207.
Molecular consequence: frameshift variant.
Genome position (GRCh38, 1-based): chr18:62,148,268, A deleted on the plus strand (T on the coding strand, the reverse complement: PIGN is on the minus strand); the first of 7 consecutive A bases (chr18:62,148,268-62,148,274); deleting any one gives the same sequence. VCF-style (leftmost placement, unchanged base first): chr18-62148267-GA-G. GRCh37 (hg19) VCF-style: chr18-59815500-GA-G.
Other names: c.620del, p.Phe207fs (NM_012327.6); short protein forms F207fs.
Identifiers: ClinVar variation 965177 (VCV000965177.7), dbSNP rs1237915292, ClinGen allele CA504068204.